The following is an entry in ClinVar:

NM_000143.4(FH):c.1390+3_1390+6del

Gene: FH (fumarate hydratase; minus strand). Cytogenetic location: 1q43.
Variant type: Deletion.
Coding change: c.1390+3_1390+6del on transcript NM_000143.4 (MANE Select); bases 3 to 6 of the intron after coding-DNA position 1390, 4 bases deleted (AAGT; older notation c.1390+3_1390+6delAAGT).
Molecular consequence: splice donor variant.
Genome position (GRCh38, 1-based): chr1:241,500,431-241,500,434, ACTT deleted on the plus strand (AAGT on the coding strand, the reverse complement: FH is on the minus strand); deleting any 4 consecutive bases within chr1:241,500,431-241,500,436 gives the same sequence; the c. name uses the placement nearest the transcript's 3' end. VCF-style (leftmost placement, unchanged base first): chr1-241500430-CACTT-C. GRCh37 (hg19) VCF-style: chr1-241663730-CACTT-C.
Other names: c.1390+3_1390+6delAAGT (NM_000143.3); c.1390+3_1390+6del (NM_000143.3).
Identifiers: ClinVar variation 1964153 (VCV001964153.7), dbSNP rs1300155158, ClinGen allele CA530378939.
Genomic context (GRCh38, chr1:241,500,430, plus strand): 5'-CTCTTAAAAATGGTTTAGCTTTTTAATTTTGCATTCAAAATGATATTATTATTCCTTAAA[CACTT>C]ACCTATATGAGGATTGAGAGCTGTCACCAACATTAGAGACTCATTCATCAGCTTGTTGAT-3'

ClinVar aggregate classification (germline): Uncertain significance. Review status: criteria provided, multiple submitters, no conflicts (2 of 4 stars). 4 submissions from 4 submitters: Uncertain significance (4). Last evaluated 2025-11-22.

Conditions:
Hereditary cancer-predisposing syndrome. Also called: Tumor predisposition; Hereditary neoplastic syndrome; Hereditary Cancer Syndrome; Neoplastic Syndromes, Hereditary. Identifiers: Orphanet 140162, MedGen C0027672, MeSH D009386, MONDO:0015356.
Fumarase deficiency (FMRD). Also called: Fumarate Hydratase Deficiency; Fumaric aciduria. Identifiers: Orphanet 24, MedGen C0342770, MONDO:0011730, OMIM 606812.

Submissions (4):

Labcorp Genetics (formerly Invitae), Labcorp
Classification: Uncertain significance. Last evaluated: 2025-11-22. Review status: criteria provided, single submitter. Criteria: Invitae Variant Classification Sherloc (09022015). Collection method: clinical testing. Allele origin: germline.
Comment: This sequence change falls in intron 9 of the FH gene. It does not directly change the encoded amino acid sequence of the FH protein. It affects a nucleotide within the consensus splice site. This variant is present in population databases (no rsID available, gnomAD 0.007%). This variant has not been reported in the literature in individuals affected with FH-related conditions. ClinVar contains an entry for this variant (Variation ID: 1964153). Variants that disrupt the consensus splice site are a relatively common cause of aberrant splicing (PMID: 17576681, 9536098). Algorithms developed to predict the effect of sequence changes on RNA splicing suggest that this variant may disrupt the consensus splice site. In summary, the available evidence is currently insufficient to determine the role of this variant in disease. Therefore, it has been classified as a Variant of Uncertain Significance.

Quest Diagnostics Nichols Institute San Juan Capistrano
Classification: Uncertain significance. Last evaluated: 2025-10-27. Review status: criteria provided, single submitter. Criteria: Quest Diagnostics criteria. Collection method: clinical testing. Allele origin: unknown.
Comment: The FH c.1390+3_1390+6del variant has not been reported in individuals with FH-related conditions in the published literature. The frequency of this variant in the general population (Genome Aggregation Database) is uninformative in the assessment of its pathogenicity. Analysis of this variant using software algorithms for the prediction of the effect of nucleotide changes on splicing yielded predictions that this variant may affect proper FH mRNA splicing. Based on the available information, we are unable to determine the clinical significance of this variant.

Ambry Genetics
Classification: Uncertain significance for Hereditary cancer-predisposing syndrome. Last evaluated: 2025-03-15. Review status: criteria provided, single submitter. Criteria: Ambry Variant Classification Scheme 2023. Collection method: clinical testing. Allele origin: germline.
Comment: The c.1390+3_1390+6delAAGT intronic variant, located in intron 9 of the FH gene, results from a deletion of 4 nucleotides within intron 9 of the FH gene. This nucleotide position is not well conserved in available vertebrate species. In silico splice site analysis predicts that this alteration will weaken the native splice donor site. RNA studies have demonstrated that this alteration results in a splice defect; the clinical impact of this abnormal splicing is unknown at this time (Ambry internal data). Based on the available evidence, the clinical significance of this variant remains unclear.

Baylor Genetics
Classification: Uncertain significance for Fumarase deficiency. Last evaluated: 2024-03-04. Review status: criteria provided, single submitter. Criteria: ACMG Guidelines, 2015. Collection method: clinical testing. Allele origin: unknown.

Literature cited by the submitters: PubMed 17576681 (cited by Labcorp Genetics (formerly Invitae), Labcorp); PubMed 9536098 (cited by Labcorp Genetics (formerly Invitae), Labcorp); PubMed 34994643 (cited by Quest Diagnostics Nichols Institute San Juan Capistrano); PubMed 26574848 (cited by Quest Diagnostics Nichols Institute San Juan Capistrano).